The following is an entry in ClinVar:

NM_005670.4(EPM2A):c.302-2A>G

Gene: EPM2A (EPM2A glucan phosphatase, laforin; minus strand). Cytogenetic location: 6q24.3.
Variant type: single nucleotide variant.
Coding change: c.302-2A>G on transcript NM_005670.4 (MANE Select); the canonical splice acceptor site of the intron before coding-DNA position 302, A replaced by G.
Molecular consequence: splice acceptor variant.
Genome position (GRCh38, 1-based): chr6:145,686,298, T>C on the plus strand (A>G on the coding strand, the complement: EPM2A is on the minus strand). VCF-style: chr6-145686298-T-C. GRCh37 (hg19) VCF-style: chr6-146007434-T-C.
Other names: c.-113-2A>G (NM_001360064.2, NM_001368131.1, NM_001360071.2); c.302-2A>G (NM_001360057.2, NM_001018041.2, NM_001368130.1); c.-322-2A>G (NM_001368129.2, NM_001368132.1).
Identifiers: ClinVar variation 1068477 (VCV001068477.8), dbSNP rs780648601, ClinGen allele CA4035191.

ClinVar aggregate classification (germline): Pathogenic. Review status: criteria provided, multiple submitters, no conflicts (2 of 4 stars). 2 submissions from 2 submitters: Pathogenic (2). Last evaluated 2025-01-06.

Conditions:
Lafora disease. Also called: Epilepsy progressive myoclonic 2; Progressive Myoclonus Epilepsy, Lafora Type. Identifiers: Orphanet 501, MedGen C0751783, MONDO:0009697.
Progressive myoclonic epilepsy. Also called: Familial progressive myoclonic epilepsy; Myoclonic Epilepsies, Progressive; Progressive myoclonus epilepsy; Myoclonus epilepsy. Identifiers: Orphanet 308, Orphanet 98261, MedGen C0751778, MONDO:0020074.

Allele frequency attached by ClinVar (database versions not stated): gnomAD exomes below 0.00001; ExAC 0.00001.
gnomAD v4.1: 1 of 1,612,130 alleles (0.000062%); highest among the groups gnomAD compares: Non-Finnish European, 0.000085%; no homozygotes.

Submissions (2):

Broad Center for Mendelian Genomics, Broad Institute of MIT and Harvard
Classification: Pathogenic for Lafora disease. Last evaluated: 2025-01-06. Review status: criteria provided, single submitter. Criteria: ACMG Guidelines, 2015. Collection method: curation. Allele origin: germline. Inheritance: Autosomal recessive inheritance.
Comment: The c.302-2A>G variant in EPM2A has been reported in one individual, in the compound heterozygous state, with Lafora disease (PMID: 20738377), and has been identified in 0.00009% (1/1110364) of European (non-Finnish) chromosomes by the Genome Aggregation Database (gnomAD; dbSNP ID: rs780648601). Although this variant has been seen in the general population in a heterozygous state, its frequency is low enough to be consistent with a recessive carrier frequency. This variant has also been reported in ClinVar (Variation ID: 1068477) and has been interpreted as pathogenic by Invitae. RT-PCR performed on affected tissue shows skipping of exon 2 (PMID: 20738377). This variant is located in the 5' splice region. Computational tools predict predict a splicing impact, though this information is not predictive enough to determine. Loss of function of the EPM2A gene is an established disease mechanism in autosomal recessive Lafora disease. The phenotype of one individual compound heterozygous for this variant is highly specific for Lafora disease based on a biopsy showing Lafora bodies consistent with disease (PMID: 20738377). In summary, this variant meets criteria to be classified as pathogenic for autosomal recessive Lafora disease. ACMG/AMP Criteria applied: PVS1, PP4, PM2_supporting (Richards 2015).

Labcorp Genetics (formerly Invitae), Labcorp
Classification: Pathogenic for Progressive myoclonic epilepsy. Last evaluated: 2020-07-07. Review status: criteria provided, single submitter. Criteria: Invitae Variant Classification Sherloc (09022015). Collection method: clinical testing. Allele origin: germline.
Comment: Experimental studies have shown that this variant disrupts mRNA splicing (PMID: 20738377). This variant has been observed in combination with another EPM2A variant in an individual affected with Lafora disease (PMID: 20738377). This variant is also known as c.101-2A>G. This variant is present in population databases (rs780648601, ExAC 0.002%). This sequence change affects an acceptor splice site in intron 1 of the EPM2A gene. It is expected to disrupt RNA splicing and likely results in an absent or disrupted protein product. Donor and acceptor splice site variants typically lead to a loss of protein function (PMID: 16199547), and loss-of-function variants in EPM2A are known to be pathogenic (PMID: 20738377). For these reasons, this variant has been classified as Pathogenic.

Literature cited by the submitters: PubMed 20738377 (cited by Labcorp Genetics (formerly Invitae), Labcorp); PubMed 16199547 (cited by Labcorp Genetics (formerly Invitae), Labcorp).